The following is an entry in ClinVar:

ClinVar aggregate classification (germline): Uncertain significance (1 of 4 stars; one submission).

Conditions:
Hyper-IgE recurrent infection syndrome 1, autosomal dominant. Also called: JOB SYNDROME; HYPER-IgE SYNDROME 1, AUTOSOMAL DOMINANT, WITH RECURRENT INFECTIONS; Job's Syndrome; STAT3 Hyper IgE Syndrome; Hyper-IgE recurrent infection syndrome 1. Identifiers: Orphanet 2314, MedGen C2936739, MONDO:0007818, OMIM 147060.
STAT3 gain of function. Identifiers: MedGen C4288261.

Submission:

Labcorp Genetics (formerly Invitae), Labcorp
Classification: Uncertain significance for STAT3 gain of function; Hyper-IgE recurrent infection syndrome 1, autosomal dominant. Last evaluated: 2025-01-13. Review status: criteria provided, single submitter. Criteria: Invitae Variant Classification Sherloc (09022015). Collection method: clinical testing. Allele origin: germline.
Comment: This sequence change replaces serine, which is neutral and polar, with proline, which is neutral and non-polar, at codon 649 of the STAT3 protein (p.Ser649Pro). This variant is not present in population databases (gnomAD no frequency). This variant has not been reported in the literature in individuals affected with STAT3-related conditions. ClinVar contains an entry for this variant (Variation ID: 2071724). Invitae Evidence Modeling of protein sequence and biophysical properties (such as structural, functional, and spatial information, amino acid conservation, physicochemical variation, residue mobility, and thermodynamic stability) indicates that this missense variant is not expected to disrupt STAT3 protein function with a negative predictive value of 80%. In summary, the available evidence is currently insufficient to determine the role of this variant in disease. Therefore, it has been classified as a Variant of Uncertain Significance.

NM_139276.3(STAT3):c.1945T>C (p.Ser649Pro)

Gene: STAT3 (signal transducer and activator of transcription 3; minus strand). Cytogenetic location: 17q21.2.
Variant type: single nucleotide variant.
Coding change: c.1945T>C on transcript NM_139276.3 (MANE Select); coding-DNA position 1945, T replaced by C.
Protein change: p.Ser649Pro; replaces serine 649 with proline.
Molecular consequence: missense variant.
Genome position (GRCh38, 1-based): chr17:42,322,438, A>G on the plus strand (T>C on the coding strand, the complement: STAT3 is on the minus strand). VCF-style: chr17-42322438-A-G. GRCh37 (hg19) VCF-style: chr17-40474456-A-G.
Other names: c.1945T>C, p.Ser649Pro (NM_001369520.1, NM_001384988.1, NM_001369512.1 and 9 more transcripts); c.1861T>C, p.Ser621Pro (NM_001384984.1); c.1867T>C, p.Ser623Pro (NM_001384985.1); c.1960T>C, p.Ser654Pro (NM_001384986.1, NM_001384990.1); c.1924T>C, p.Ser642Pro (NM_001384987.1); c.1849T>C, p.Ser617Pro (NM_001384989.1); c.1918T>C, p.Ser640Pro (NM_001384991.1); c.1885T>C, p.Ser629Pro (NM_001384992.1); short protein forms S623P, S629P, S654P, S640P, S642P, S617P, S621P, S649P.
Identifiers: ClinVar variation 2071724 (VCV002071724.4), dbSNP rs2144682367, ClinGen allele CA399582256.